The following is an entry in ClinVar:

NM_173630.4(RTTN):c.4443A>T (p.Leu1481Phe)

Gene: RTTN (rotatin; minus strand). Cytogenetic location: 18q22.2.
Variant type: single nucleotide variant.
Coding change: c.4443A>T on transcript NM_173630.4 (MANE Select); coding-DNA position 4443, A replaced by T.
Protein change: p.Leu1481Phe; replaces leucine 1481 with phenylalanine.
Molecular consequence: missense variant.
Genome position (GRCh38, 1-based): chr18:70,075,473, T>A on the plus strand (A>T on the coding strand, the complement: RTTN is on the minus strand). VCF-style: chr18-70075473-T-A. GRCh37 (hg19) VCF-style: chr18-67742709-T-A.
Other names: c.1707A>T, p.Leu569Phe (NM_001318520.2); short protein forms L569F, L1481F.
Identifiers: ClinVar variation 1031274 (VCV001031274.1), dbSNP rs774950381, ClinGen allele CA8995248.
Genomic context (GRCh38, chr18:70,075,473, plus strand): 5'-CCGTCCTAGGTAACAATGCTTTACCATCTGATTCAAATGTTCATAAAAATGGCAGTGATA[T>A]AAAAGAGCCTGAAGGGCAGGTTTTCCAATGAGCGATAGGCCAGAGTCCTCATCATGAACA-3'
Protein context (NP_775901.3, residues 1471-1491): LIGKPALQAL[Leu1481Phe]YHCHFYEHLN

ClinVar aggregate classification (germline): Uncertain significance (1 of 4 stars; one submission).

Conditions:
Microcephalic primordial dwarfism due to RTTN deficiency (MSSP). Also called: Microcephaly, short stature, and polymicrogyria with or without seizures; MICROCEPHALY, SHORT STATURE, AND POLYMICROGYRIA. Identifiers: Orphanet 468631, MedGen C3553831, MONDO:0018764, OMIM 614833.

Allele frequency attached by ClinVar (database versions not stated): gnomAD exomes 0.00001 and 0.00002; TOPMed 0.00003; ExAC 0.00004.
gnomAD v4.1: 7 of 1,608,798 alleles (0.00044%); highest among the groups gnomAD compares: Admixed American, 0.012%; no homozygotes.

Submission:

Baylor Genetics
Classification: Uncertain significance for Microcephalic primordial dwarfism due to RTTN deficiency. Last evaluated: 2019-03-08. Review status: criteria provided, single submitter. Criteria: ACMG Guidelines, 2015. Collection method: clinical testing. Allele origin: paternal. Affected: yes.
Comment: This variant was determined to be of uncertain significance according to ACMG Guidelines, 2015 [PMID:25741868].